The following is an entry in ClinVar:

NM_014319.5(LEMD3):c.*1880C>T

Gene: LEMD3 (LEM domain containing 3; plus strand). Cytogenetic location: 12q14.3.
Variant type: single nucleotide variant.
Coding change: c.*1880C>T on transcript NM_014319.5 (MANE Select); 1880 bases downstream of the stop codon, C replaced by T.
Molecular consequence: 3 prime UTR variant.
Genome position (GRCh38, 1-based): chr12:65,248,205, C>T. VCF-style: chr12-65248205-C-T. GRCh37 (hg19) VCF-style: chr12-65641985-C-T.
Other names: c.*1880C>T (NM_001167614.2).
Identifiers: ClinVar variation 310262 (VCV000310262.6), dbSNP rs2888, ClinGen allele CA10642354.

ClinVar aggregate classification (germline): Benign. Review status: criteria provided, multiple submitters, no conflicts (2 of 4 stars). 2 submissions from 2 submitters: Benign (2). Last evaluated 2018-01-13.

Conditions:
Dermatofibrosis lenticularis disseminata (BOS). Also called: DERMATOFIBROSIS LENTICULARIS DISSEMINATA WITH OSTEOPOIKILOSIS; DERMATOOSTEOPOIKILOSIS; OSTEOPATHIA CONDENSANS DISSEMINATA. Identifiers: Orphanet 1306, MedGen C0265514, MONDO:0008157, OMIM 166700.

Allele frequency attached by ClinVar (database versions not stated): gnomAD exomes 0.27113; gnomAD 0.29482 and 0.29512; TOPMed 0.29596; 1000 Genomes Project 0.29732; 1000 Genomes Project 30x 0.30356.
gnomAD v4.1: 44,907 of 152,152 alleles (30%); highest among the groups gnomAD compares: Admixed American, 37%; 6,701 homozygotes.

Submissions (2):

Illumina Laboratory Services, Illumina
Classification: Benign for Dermatofibrosis lenticularis disseminata. Last evaluated: 2018-01-13. Review status: criteria provided, single submitter. Criteria: ICSL Variant Classification Criteria 13 December 2019. Collection method: clinical testing. Allele origin: germline.
Comment: This variant was observed in the ICSL laboratory as part of a predisposition screen in an ostensibly healthy population. It had not been previously curated by ICSL or reported in the Human Gene Mutation Database (HGMD: prior to June 1st, 2018), and was therefore a candidate for classification through an automated scoring system. Utilizing variant allele frequency, disease prevalence and penetrance estimates, and inheritance mode, an automated score was calculated to assess if this variant is too frequent to cause the disease. Based on the score and internal cut-off values, a variant classified as benign is not then subjected to further curation. The score for this variant resulted in a classification of benign for this disease.

Breakthrough Genomics
Classification: Benign. Review status: criteria provided, single submitter. Criteria: ACMG Guidelines, 2015. Collection method: not provided. Allele origin: germline. Inheritance: Autosomal dominant inheritance. Affected: yes.